The following is an entry in ClinVar:

ClinVar aggregate classification (germline): Uncertain significance. Review status: criteria provided, multiple submitters, no conflicts (2 of 4 stars). 3 submissions from 3 submitters: Uncertain significance (2). 1 of the submissions does not count toward it. Last evaluated 2026-01-20.

Conditions:
Pulmonary fibrosis and/or bone marrow failure, Telomere-related, 3. Also called: PULMONARY FIBROSIS AND/OR BONE MARROW FAILURE SYNDROME, TELOMERE-RELATED, 3. Identifiers: Orphanet 2032, MedGen C4225346, MONDO:0014613, OMIM 616373.
Dyskeratosis congenita, autosomal recessive 5 (DKCB5). Identifiers: MedGen C3554656, MONDO:0014076, OMIM 615190.
Dyskeratosis congenita. Identifiers: Orphanet 1775, MedGen C0265965, MONDO:0015780.

Allele frequency attached by ClinVar (database versions not stated): ExAC 0.00003; gnomAD 0.00003; gnomAD exomes 0.00003 and 0.00004; TOPMed 0.00005.
gnomAD v4.1: 58 of 1,612,528 alleles (0.0036%); highest among the groups gnomAD compares: East Asian, 0.013%; no homozygotes.

Submissions (3):

Labcorp Genetics (formerly Invitae), Labcorp
Classification: Uncertain significance for Dyskeratosis congenita, autosomal recessive 5; Pulmonary fibrosis and/or bone marrow failure, Telomere-related, 3. Last evaluated: 2026-01-20. Review status: criteria provided, single submitter. Criteria: Invitae Variant Classification Sherloc (09022015). Collection method: clinical testing. Allele origin: germline.
Comment: This sequence change replaces serine, which is neutral and polar, with leucine, which is neutral and non-polar, at codon 262 of the RTEL1 protein (p.Ser262Leu). This variant is present in population databases (rs772044888, gnomAD 0.02%). This variant has not been reported in the literature in individuals affected with RTEL1-related conditions. This variant is also known as c.857C>T (p.Ser286Leu). ClinVar contains an entry for this variant (Variation ID: 968713). An algorithm developed to predict the effect of missense changes on protein structure and function (PolyPhen-2) suggests that this variant is likely to be tolerated. In summary, the available evidence is currently insufficient to determine the role of this variant in disease. Therefore, it has been classified as a Variant of Uncertain Significance.

Women's Health and Genetics/Laboratory Corporation of America, LabCorp
Classification: Uncertain significance. Last evaluated: 2024-12-02. Review status: criteria provided, single submitter. Criteria: LabCorp Variant Classification Summary - May 2015. Collection method: clinical testing. Allele origin: germline.
Comment: Variant summary: RTEL1 c.857C>T (p.Ser286Leu) results in a non-conservative amino acid change in the encoded protein sequence. Three of five in-silico tools predict a benign effect of the variant on protein function. The variant allele was found at a frequency of 3.6e-05 in 250430 control chromosomes. The available data on variant occurrences in the general population are insufficient to allow any conclusion about variant significance. To our knowledge, no occurrence of c.857C>T has been reported in the literature in individuals affected with Dyskeratosis Congenita (Hoyeraal Hreidarsson Syndrome) and no experimental evidence demonstrating an impact on protein function has been reported. ClinVar contains an entry for this variant (Variation ID: 968713). Based on the evidence outlined above, the variant was classified as uncertain significance.

Natera, Inc.
Classification: Uncertain significance for Dyskeratosis congenita. Last evaluated: 2020-02-12. Review status: no assertion criteria provided. Collection method: clinical testing. Allele origin: germline. Not counted in ClinVar's aggregate classification.

Literature cited by the submitters: PubMed 39279436 (cited by Women's Health and Genetics/Laboratory Corporation of America, LabCorp).

NM_001283009.2(RTEL1):c.785C>T (p.Ser262Leu)

Genes: RTEL1-TNFRSF6B (RTEL1-TNFRSF6B readthrough (NMD candidate); plus strand), RTEL1 (regulator of telomere elongation helicase 1; plus strand). Cytogenetic location: 20q13.33.
Variant type: single nucleotide variant.
Coding change: c.785C>T on transcript NM_001283009.2 (MANE Select); coding-DNA position 785, C replaced by T.
Protein change: p.Ser262Leu; replaces serine 262 with leucine.
Molecular consequence: missense variant. On other transcripts: non-coding transcript variant (1).
Genome position (GRCh38, 1-based): chr20:63,673,959, C>T. VCF-style: chr20-63673959-C-T. GRCh37 (hg19) VCF-style: chr20-62305312-C-T.
Other names: c.116C>T, p.Ser39Leu (NM_001283010.1); c.785C>T, p.Ser262Leu (NM_016434.4); c.857C>T, p.Ser286Leu (NM_032957.5); short protein forms S286L, S39L, S262L.
Identifiers: ClinVar variation 968713 (VCV000968713.8), dbSNP rs772044888, ClinGen allele CA9964450.